The following is an entry in ClinVar:

NM_014712.3(SETD1A):c.1787C>G (p.Pro596Arg)

Gene: SETD1A (SET domain containing 1A, histone lysine methyltransferase; plus strand). Cytogenetic location: 16p11.2.
Variant type: single nucleotide variant.
Coding change: c.1787C>G on transcript NM_014712.3 (MANE Select); coding-DNA position 1787, C replaced by G.
Protein change: p.Pro596Arg; replaces proline 596 with arginine.
Molecular consequence: missense variant.
Genome position (GRCh38, 1-based): chr16:30,965,668, C>G. VCF-style: chr16-30965668-C-G. GRCh37 (hg19) VCF-style: chr16-30976989-C-G.
Other names: c.1787C>G (NM_014712.1); short protein forms P596R.
Identifiers: ClinVar variation 1339133 (VCV001339133.5), dbSNP rs139187973, ClinGen allele CA395656079.

ClinVar aggregate classification (germline): Uncertain significance. Review status: criteria provided, multiple submitters, no conflicts (2 of 4 stars). 2 submissions from 2 submitters: Uncertain significance (2). Last evaluated 2022-08-02.

Conditions:
Inborn genetic diseases. Identifiers: MedGen C0950123, MeSH D030342.
Neurodevelopmental disorder with speech impairment and dysmorphic facies. Identifiers: MedGen C5436699, MONDO:0033630, OMIM 619056.

Submissions (2):

Ambry Genetics
Classification: Uncertain significance for Inborn genetic diseases. Last evaluated: 2022-08-02. Review status: criteria provided, single submitter. Criteria: Ambry Variant Classification Scheme 2023. Collection method: clinical testing. Allele origin: germline.

Neuberg Centre For Genomic Medicine, NCGM
Classification: Uncertain significance for Neurodevelopmental disorder with speech impairment and dysmorphic facies. Review status: criteria provided, single submitter. Criteria: ACMG Guidelines, 2015. Collection method: clinical testing. Allele origin: germline. Affected: yes.
Comment: The missense variant p.P596R in SETD1A (NM_014712.3) has not been reported previously as a pathogenic variant nor as a benign variant, to our knowledge. There is a moderate physicochemical difference between proline and arginine. In silico predictions are contradictory (SIFT-damaging, Polyphen-2- Tolerated) and the residue is weakly conserved across species. For these reasons, this variant has been classified as Uncertain Significance.